The following is an entry in ClinVar:

NM_015450.3(POT1):c.1649A>G (p.Asp550Gly)

Gene: POT1 (protection of telomeres 1; minus strand). Cytogenetic location: 7q31.33.
Variant type: single nucleotide variant.
Coding change: c.1649A>G on transcript NM_015450.3 (MANE Select); coding-DNA position 1649, A replaced by G.
Protein change: p.Asp550Gly; replaces aspartic acid 550 with glycine.
Molecular consequence: missense variant. On other transcripts: non-coding transcript variant (3).
Genome position (GRCh38, 1-based): chr7:124,827,251, T>C on the plus strand (A>G on the coding strand, the complement: POT1 is on the minus strand). VCF-style: chr7-124827251-T-C. GRCh37 (hg19) VCF-style: chr7-124467305-T-C.
Other names: c.1256A>G, p.Asp419Gly (NM_001042594.2); short protein forms D419G, D550G.
Identifiers: ClinVar variation 852465 (VCV000852465.11), dbSNP rs1271777240, ClinGen allele CA369063019.

ClinVar aggregate classification (germline): Uncertain significance (1 of 4 stars; one submission).

Conditions:
Tumor predisposition syndrome 3 (TPDS3). Also called: Melanoma, cutaneous malignant, susceptibility to, 10; Glioma susceptibility 9; LONG TELOMERE SYNDROME, POT1-RELATED; POT1 Tumor Predisposition. Identifiers: Orphanet 618, MedGen C4014476, MONDO:0014368, OMIM 615848.

Allele frequency attached by ClinVar (database versions not stated): gnomAD exomes below 0.00001.
gnomAD v4.1: 1 of 1,597,646 alleles (0.000063%); highest among the groups gnomAD compares: Non-Finnish European, 0.000086%; no homozygotes.

Submission:

Labcorp Genetics (formerly Invitae), Labcorp
Classification: Uncertain significance for Tumor predisposition syndrome 3. Last evaluated: 2019-12-13. Review status: criteria provided, single submitter. Criteria: Invitae Variant Classification Sherloc (09022015). Collection method: clinical testing. Allele origin: germline.
Comment: This sequence change replaces aspartic acid with glycine at codon 550 of the POT1 protein (p.Asp550Gly). The aspartic acid residue is highly conserved and there is a moderate physicochemical difference between aspartic acid and glycine. In summary, the available evidence is currently insufficient to determine the role of this variant in disease. Therefore, it has been classified as a Variant of Uncertain Significance. Algorithms developed to predict the effect of missense changes on protein structure and function are either unavailable or do not agree on the potential impact of this missense change (SIFT: "Deleterious"; PolyPhen-2: "Benign"; Align-GVGD: "Class C65"). This variant has not been reported in the literature in individuals with POT1-related conditions. This variant is not present in population databases (ExAC no frequency).